The following is an entry in ClinVar:

NM_002474.3(MYH11):c.3705C>A (p.Asp1235Glu)

Gene: MYH11 (myosin heavy chain 11; minus strand). Cytogenetic location: 16p13.11.
Variant type: single nucleotide variant.
Coding change: c.3705C>A on transcript NM_002474.3 (MANE Select); coding-DNA position 3705, C replaced by A.
Protein change: p.Asp1235Glu; replaces aspartic acid 1235 with glutamic acid.
Molecular consequence: missense variant.
Genome position (GRCh38, 1-based): chr16:15,727,001, G>T on the plus strand (C>A on the coding strand, the complement: MYH11 is on the minus strand). VCF-style: chr16-15727001-G-T. GRCh37 (hg19) VCF-style: chr16-15820858-G-T.
Other names: p.Asp1242Glu; c.3705C>A (NM_002474.2); c.3726C>A, p.Asp1242Glu (NM_001040113.2, NM_001040114.2); c.3705C>A, p.Asp1235Glu (NM_022844.3); short protein forms D1235E, D1242E.
Identifiers: ClinVar variation 3380374 (VCV003380374.2).
Genomic context (GRCh38, chr16:15,727,001, plus strand): 5'-CTTCTTCTTATGTTCCACCTCCTGCTTGGCCTGGCCCAGGACCCGCAGCTCCCCGGCCAG[G>T]TCTGCGTTCTCTTTCTCCAGCGTCTGCTTATTCTTGTCTAGGTTCGCCTTGGCCTGGCGA-3'
Protein context (NP_002465.1, residues 1225-1245): NKQTLEKENA[Asp1235Glu]LAGELRVLGQ

ClinVar aggregate classification (germline): Uncertain significance. Review status: criteria provided, multiple submitters, no conflicts (2 of 4 stars). 2 submissions from 2 submitters: Uncertain significance (2). Last evaluated 2025-01-24.

Conditions:
Familial thoracic aortic aneurysm and aortic dissection (TAAD). Also called: Thoracic aortic aneurysms and dissections. Identifiers: Orphanet 91387, MedGen C4707243, MONDO:0019625.

gnomAD v4.1: 5 of 1,611,872 alleles (0.00031%); highest among the groups gnomAD compares: African/African-American, 0.0067%; no homozygotes.

Submissions (2):

Ambry Genetics
Classification: Uncertain significance for Familial thoracic aortic aneurysm and aortic dissection. Last evaluated: 2025-01-24. Review status: criteria provided, single submitter. Criteria: Ambry Variant Classification Scheme 2023. Collection method: clinical testing. Allele origin: germline.

Mayo Clinic Laboratories, Mayo Clinic
Classification: Uncertain significance. Last evaluated: 2024-03-01. Review status: criteria provided, single submitter. Criteria: ACMG Guidelines, 2015. Collection method: clinical testing. Allele origin: germline. Observed: 1 variant allele.
Comment: BP4_strong, PP2